The following is an entry in ClinVar:

NM_133433.4(NIPBL):c.64+6T>C

Gene: NIPBL (NIPBL cohesin loading factor; plus strand). Cytogenetic location: 5p13.2.
Variant type: single nucleotide variant.
Coding change: c.64+6T>C on transcript NM_133433.4 (MANE Select); 6 bases into the intron after coding-DNA position 64, T replaced by C.
Molecular consequence: intron variant.
Genome position (GRCh38, 1-based): chr5:36,953,766, T>C. VCF-style: chr5-36953766-T-C. GRCh37 (hg19) VCF-style: chr5-36953868-T-C.
Other names: c.64+6T>C (NM_015384.5).
Identifiers: ClinVar variation 3772688 (VCV003772688.1).

ClinVar aggregate classification (germline): Pathogenic (1 of 4 stars; one submission).

Conditions:
Cornelia de Lange syndrome 1 (CDLS1). Also called: Brachmann de Lange syndrome; TYPUS DEGENERATIVUS AMSTELODAMENSIS; NIPBL-Related Cornelia de Lange Syndrome. Identifiers: Orphanet 199, MedGen C4551851, MONDO:0007387, OMIM 122470.

Submission:

Center for Medical Genetics Ghent, University of Ghent
Classification: Pathogenic for Cornelia de Lange syndrome 1. Last evaluated: 2025-03-13. Review status: criteria provided, single submitter. Criteria: ACMG Guidelines, 2015. Collection method: clinical testing. Allele origin: de novo. Affected: yes.
Comment: PM2, PP4_PM, PVS1, PS2 RNA-sequencing was performed on PBMCs and showed exon 2 skip and result in a loss of the start codon (no alternative start codon is present)